The following is an entry in ClinVar:

NM_006659.4(TUBGCP2):c.1368T>C (p.Tyr456=)

Gene: TUBGCP2 (tubulin gamma complex component 2; minus strand). Cytogenetic location: 10q26.3.
Variant type: single nucleotide variant.
Coding change: c.1368T>C on transcript NM_006659.4 (MANE Select); coding-DNA position 1368, T replaced by C.
Protein change: p.Tyr456=; no amino-acid change (tyrosine 456 retained).
Molecular consequence: synonymous variant. On other transcripts: non-coding transcript variant (1).
Genome position (GRCh38, 1-based): chr10:133,289,013, A>G on the plus strand (T>C on the coding strand, the complement: TUBGCP2 is on the minus strand). VCF-style: chr10-133289013-A-G. GRCh37 (hg19) VCF-style: chr10-135102517-A-G.
Other names: c.1452T>C, p.Tyr484= (NM_001256617.2); c.978T>C, p.Tyr326= (NM_001256618.2).
Identifiers: ClinVar variation 3067601 (VCV003067601.21), dbSNP rs1439576941, ClinGen allele CA472163641.

ClinVar aggregate classification (germline): Likely benign (1 of 4 stars; one submission).

Allele frequency attached by ClinVar (database versions not stated): gnomAD exomes below 0.00001; TOPMed below 0.00001; gnomAD 0.00001.
gnomAD v4.1: 3 of 1,607,980 alleles (0.00019%); highest among the groups gnomAD compares: African/African-American, 0.0013%; no homozygotes.

Submission:

CeGaT Center for Human Genetics Tuebingen
Classification: Likely benign. Last evaluated: 2024-03-01. Review status: criteria provided, single submitter. Criteria: CeGaT Center For Human Genetics Tuebingen Variant Classification Criteria Version 2. Collection method: clinical testing. Allele origin: germline. Affected: yes. Observed: 1 variant allele.
Comment: TUBGCP2: BP4, BP7